The following is an entry in ClinVar:

NM_032242.4(PLXNA1):c.1399C>A (p.Pro467Thr)

Gene: PLXNA1 (plexin A1; plus strand). Cytogenetic location: 3q21.3.
Variant type: single nucleotide variant.
Coding change: c.1399C>A on transcript NM_032242.4 (MANE Select); coding-DNA position 1399, C replaced by A.
Protein change: p.Pro467Thr; replaces proline 467 with threonine.
Molecular consequence: missense variant.
Genome position (GRCh38, 1-based): chr3:127,003,351, C>A. VCF-style: chr3-127003351-C-A. GRCh37 (hg19) VCF-style: chr3-126722194-C-A.
Other names: short protein forms P467T.
Identifiers: ClinVar variation 4998658 (VCV004998658.1).
Genomic context (GRCh38, chr3:127,003,351, plus strand): 5'-TATCAGCACAGCTCCAGTTAGGGCCCCTTGCTGCCGCAGATCCTGGTGGACCTCTCAAAC[C>A]CCGGTGGCCGGCCTGCCCTGGCCTACGAGAGCGTCGTGGCCCAGGAGGGCAGCCCCATCC-3'
Protein context (NP_115618.3, residues 457-477): IRKILVDLSN[Pro467Thr]GGRPALAYES

ClinVar aggregate classification (germline): Uncertain significance (1 of 4 stars; one submission).

Conditions:
PLXNA1-related disorder. Also called: PLXNA1-related condition.

Submission:

PreventionGenetics, part of Exact Sciences
Classification: Uncertain significance for PLXNA1-related condition. Last evaluated: 2025-04-25. Review status: criteria provided, single submitter. Criteria: ACMG Guidelines, 2015. Collection method: clinical testing. Allele origin: germline.
Comment: The PLXNA1 c.1399C>A variant is predicted to result in the amino acid substitution p.Pro467Thr. To our knowledge, this variant has not been reported in the literature or in a large population database (gnomAD), indicating this variant is rare. At this time, the clinical significance of this variant is uncertain due to the absence of conclusive functional and genetic evidence.